The following is an entry in ClinVar:

NM_006516.4(SLC2A1):c.1295A>G (p.Tyr432Cys)

Gene: SLC2A1 (solute carrier family 2 member 1; minus strand). Cytogenetic location: 1p34.2.
Variant type: single nucleotide variant.
Coding change: c.1295A>G on transcript NM_006516.4 (MANE Select); coding-DNA position 1295, A replaced by G.
Protein change: p.Tyr432Cys; replaces tyrosine 432 with cysteine.
Molecular consequence: missense variant.
Genome position (GRCh38, 1-based): chr1:42,927,225, T>C on the plus strand (A>G on the coding strand, the complement: SLC2A1 is on the minus strand). VCF-style: chr1-42927225-T-C. GRCh37 (hg19) VCF-style: chr1-43392896-T-C.
Other names: short protein forms Y432C.
Identifiers: ClinVar variation 1043949 (VCV001043949.9), dbSNP rs1643436553, ClinGen allele CA339953522.

ClinVar aggregate classification (germline): Uncertain significance (1 of 4 stars; one submission).

Conditions:
GLUT1 deficiency syndrome 1, autosomal recessive. Identifiers: MedGen C3149117.

Submission:

Labcorp Genetics (formerly Invitae), Labcorp
Classification: Uncertain significance for GLUT1 deficiency syndrome 1, autosomal recessive. Last evaluated: 2020-10-28. Review status: criteria provided, single submitter. Criteria: Invitae Variant Classification Sherloc (09022015). Collection method: clinical testing. Allele origin: germline.
Comment: In summary, the available evidence is currently insufficient to determine the role of this variant in disease. Therefore, it has been classified as a Variant of Uncertain Significance. Advanced modeling of protein sequence and biophysical properties (such as structural, functional, and spatial information, amino acid conservation, physicochemical variation, residue mobility, and thermodynamic stability) performed at Invitae indicates that this missense variant is expected to disrupt SLC2A1 protein function. This variant has not been reported in the literature in individuals with SLC2A1-related conditions. This variant is not present in population databases (ExAC no frequency). This sequence change replaces tyrosine with cysteine at codon 432 of the SLC2A1 protein (p.Tyr432Cys). The tyrosine residue is moderately conserved and there is a large physicochemical difference between tyrosine and cysteine.